The following is an entry in ClinVar:

ClinVar aggregate classification (germline): Uncertain significance (1 of 4 stars; one submission).

Conditions:
Breast-ovarian cancer, familial, susceptibility to, 4. Identifiers: Orphanet 145, MedGen C3280345, MONDO:0013669, OMIM 614291.

Submission:

Labcorp Genetics (formerly Invitae), Labcorp
Classification: Uncertain significance for Breast-ovarian cancer, familial, susceptibility to, 4. Last evaluated: 2021-11-23. Review status: criteria provided, single submitter. Criteria: Invitae Variant Classification Sherloc (09022015). Collection method: clinical testing. Allele origin: germline.
Comment: This variant has not been reported in the literature in individuals affected with RAD51D-related conditions. Algorithms developed to predict the effect of missense changes on protein structure and function (SIFT, PolyPhen-2, Align-GVGD) all suggest that this variant is likely to be tolerated. In summary, the available evidence is currently insufficient to determine the role of this variant in disease. Therefore, it has been classified as a Variant of Uncertain Significance. This variant is not present in population databases (gnomAD no frequency). This sequence change replaces arginine, which is basic and polar, with proline, which is neutral and non-polar, at codon 290 of the RAD51D protein (p.Arg290Pro).

NM_002878.4(RAD51D):c.869G>C (p.Arg290Pro)

Genes: RAD51D (RAD51 paralog D; minus strand), RAD51L3-RFFL (RAD51L3-RFFL readthrough; minus strand). Cytogenetic location: 17q12.
Variant type: single nucleotide variant.
Coding change: c.869G>C on transcript NM_002878.4 (MANE Select); coding-DNA position 869, G replaced by C.
Protein change: p.Arg290Pro; replaces arginine 290 with proline.
Molecular consequence: missense variant. On other transcripts: non-coding transcript variant (3).
Genome position (GRCh38, 1-based): chr17:35,101,235, C>G on the plus strand (G>C on the coding strand, the complement: RAD51D is on the minus strand). VCF-style: chr17-35101235-C-G. GRCh37 (hg19) VCF-style: chr17-33428254-C-G.
Other names: c.533G>C, p.Arg178Pro (NM_133629.3); c.929G>C, p.Arg310Pro (NM_001142571.2); short protein forms R290P, R310P, R178P.
Identifiers: ClinVar variation 1490585 (VCV001490585.6), dbSNP rs773883374, ClinGen allele CA399086441.